The following is an entry in ClinVar:

ClinVar aggregate classification (germline): Uncertain significance (1 of 4 stars; one submission).

Conditions:
Catecholaminergic polymorphic ventricular tachycardia 1. Also called: VENTRICULAR TACHYCARDIA, CATECHOLAMINERGIC POLYMORPHIC, 1, WITH OR WITHOUT ATRIAL DYSFUNCTION AND/OR DILATED CARDIOMYOPATHY; RYR2-Related Catecholaminergic Polymorphic Ventricular Tachycardia; VENTRICULAR TACHYCARDIA, STRESS-INDUCED POLYMORPHIC 1. Identifiers: Orphanet 3286, MedGen C1631597, MONDO:0011484, OMIM 604772.

Submission:

Labcorp Genetics (formerly Invitae), Labcorp
Classification: Uncertain significance for Catecholaminergic polymorphic ventricular tachycardia 1. Last evaluated: 2024-06-12. Review status: criteria provided, single submitter. Criteria: Invitae Variant Classification Sherloc (09022015). Collection method: clinical testing. Allele origin: germline.
Comment: This sequence change replaces leucine, which is neutral and non-polar, with phenylalanine, which is neutral and non-polar, at codon 4753 of the RYR2 protein (p.Leu4753Phe). This variant is not present in population databases (gnomAD no frequency). This variant has not been reported in the literature in individuals affected with RYR2-related conditions. Advanced modeling of protein sequence and biophysical properties (such as structural, functional, and spatial information, amino acid conservation, physicochemical variation, residue mobility, and thermodynamic stability) performed at Invitae indicates that this missense variant is expected to disrupt RYR2 protein function with a positive predictive value of 95%. In summary, the available evidence is currently insufficient to determine the role of this variant in disease. Therefore, it has been classified as a Variant of Uncertain Significance.

NM_001035.3(RYR2):c.14259A>C (p.Leu4753Phe)

Gene: RYR2 (ryanodine receptor 2; plus strand). Cytogenetic location: 1q43.
Variant type: single nucleotide variant.
Coding change: c.14259A>C on transcript NM_001035.3 (MANE Select); coding-DNA position 14259, A replaced by C.
Protein change: p.Leu4753Phe; replaces leucine 4753 with phenylalanine.
Molecular consequence: missense variant.
Genome position (GRCh38, 1-based): chr1:237,806,244, A>C. VCF-style: chr1-237806244-A-C. GRCh37 (hg19) VCF-style: chr1-237969544-A-C.
Other names: short protein forms L4753F.
Identifiers: ClinVar variation 3633846 (VCV003633846.2).